The following is an entry in ClinVar:

ClinVar aggregate classification (germline): Pathogenic (1 of 4 stars; one submission).

Conditions:
Inborn genetic diseases. Identifiers: MedGen C0950123, MeSH D030342.

Submission:

Ambry Genetics
Classification: Pathogenic for Inborn genetic diseases. Last evaluated: 2022-03-04. Review status: criteria provided, single submitter. Criteria: Ambry Variant Classification Scheme 2023. Collection method: clinical testing. Allele origin: germline.
Comment: The c.2089C>T (p.Q697*) alteration, located in exon 21 (coding exon 20) of the AP1G1 gene, consists of a C to T substitution at nucleotide position 2089. This changes the amino acid from a glutamine (Q) to a stop codon at amino acid position 697. This alteration is expected to result in loss of function by premature protein truncation or nonsense-mediated mRNA decay. This variant was not reported in population-based cohorts in the Genome Aggregation Database (gnomAD). Based on the available evidence, this alteration is classified as pathogenic.

NM_001128.6(AP1G1):c.2080C>T (p.Gln694Ter)

Gene: AP1G1 (adaptor related protein complex 1 subunit gamma 1; minus strand). Cytogenetic location: 16q22.2.
Variant type: single nucleotide variant.
Coding change: c.2080C>T on transcript NM_001128.6 (MANE Select); coding-DNA position 2080, C replaced by T.
Protein change: p.Gln694Ter; replaces glutamine 694 with a stop codon.
Molecular consequence: nonsense.
Genome position (GRCh38, 1-based): chr16:71,739,261, G>A on the plus strand (C>T on the coding strand, the complement: AP1G1 is on the minus strand). VCF-style: chr16-71739261-G-A. GRCh37 (hg19) VCF-style: chr16-71773164-G-A.
Other names: c.2089C>T, p.Gln697Ter (NM_001030007.2); short protein forms Q697*, Q694*.
Identifiers: ClinVar variation 2206183 (VCV002206183.2), dbSNP rs2543500511, ClinGen allele CA396663660.
Genomic context (GRCh38, chr16:71,739,261, plus strand): 5'-TCCATGTAATGATGGTAACAACAGTCATCGTACCTGCAGCAATATCATTGAAGAGAGGCT[G>A]TGATGAAAGCCCATCCAACAAGAAGGGGGGCTGGGATATCTGTGGGACTGAGGCAGGGGC-3'